The following is an entry in ClinVar:

ClinVar aggregate classification (germline): Benign (1 of 4 stars; one submission).

Allele frequency attached by ClinVar (database versions not stated): gnomAD 0.09401; 1000 Genomes Project 30x 0.16162; 1000 Genomes Project 0.16234.

Submission:

GeneDx
Classification: Benign. Last evaluated: 2018-06-14. Review status: criteria provided, single submitter. Criteria: GeneDx Variant Classification (06012015). Collection method: clinical testing. Allele origin: germline. Affected: yes.
Comment: This variant is considered likely benign or benign based on one or more of the following criteria: it is a conservative change, it occurs at a poorly conserved position in the protein, it is predicted to be benign by multiple in silico algorithms, and/or has population frequency not consistent with disease.

NM_001182.4(ALDH7A1):c.-473C>G

Gene: ALDH7A1 (aldehyde dehydrogenase 7 family member A1; minus strand). Cytogenetic location: 5q23.2.
Variant type: single nucleotide variant.
Coding change: c.-473C>G on transcript NM_001182.4; 473 bases upstream of the start codon, C replaced by G.
Genome position (GRCh38, 1-based): chr5:126,595,671, G>C on the plus strand (C>G on the coding strand, the complement: ALDH7A1 is on the minus strand). VCF-style: chr5-126595671-G-C. GRCh37 (hg19) VCF-style: chr5-125931363-G-C.
Identifiers: ClinVar variation 672777 (VCV000672777.3), dbSNP rs3736173, ClinGen allele CA126928261.